The following is an entry in ClinVar:

NM_003482.4(KMT2D):c.15352G>C (p.Ala5118Pro)

Gene: KMT2D (lysine methyltransferase 2D; minus strand). Cytogenetic location: 12q13.12.
Variant type: single nucleotide variant.
Coding change: c.15352G>C on transcript NM_003482.4 (MANE Select); coding-DNA position 15352, G replaced by C.
Protein change: p.Ala5118Pro; replaces alanine 5118 with proline.
Molecular consequence: missense variant.
Genome position (GRCh38, 1-based): chr12:49,026,614, C>G on the plus strand (G>C on the coding strand, the complement: KMT2D is on the minus strand). VCF-style: chr12-49026614-C-G. GRCh37 (hg19) VCF-style: chr12-49420397-C-G.
Other names: short protein forms A5118P.
Identifiers: ClinVar variation 2761973 (VCV002761973.3), dbSNP rs2120360802, ClinGen allele CA384688554.

ClinVar aggregate classification (germline): Uncertain significance (1 of 4 stars; one submission).

Conditions:
Kabuki syndrome. Also called: Kabuki make-up syndrome; NIIKAWA-KUROKI SYNDROME. Identifiers: Orphanet 2322, MedGen C0796004, MONDO:0016512.

Submission:

Labcorp Genetics (formerly Invitae), Labcorp
Classification: Uncertain significance for Kabuki syndrome. Last evaluated: 2023-07-17. Review status: criteria provided, single submitter. Criteria: Invitae Variant Classification Sherloc (09022015). Collection method: clinical testing. Allele origin: germline.
Comment: In summary, the available evidence is currently insufficient to determine the role of this variant in disease. Therefore, it has been classified as a Variant of Uncertain Significance. Advanced modeling of protein sequence and biophysical properties (such as structural, functional, and spatial information, amino acid conservation, physicochemical variation, residue mobility, and thermodynamic stability) performed at Invitae indicates that this missense variant is expected to disrupt KMT2D protein function. This variant has not been reported in the literature in individuals affected with KMT2D-related conditions. This variant is not present in population databases (gnomAD no frequency). This sequence change replaces alanine, which is neutral and non-polar, with proline, which is neutral and non-polar, at codon 5118 of the KMT2D protein (p.Ala5118Pro).